The following is an entry in ClinVar:

NM_001277058.2(ERCC6):c.2253A>C (p.Lys751Asn)

Genes: ERCC6 (ERCC excision repair 6, chromatin remodeling factor; minus strand), PGBD3 (piggyBac transposable element derived 3; minus strand). Cytogenetic location: 10q11.23.
Variant type: single nucleotide variant.
Coding change: c.2253A>C on transcript NM_001277058.2 (MANE Plus Clinical); coding-DNA position 2253, A replaced by C.
Protein change: p.Lys751Asn; replaces lysine 751 with asparagine.
Molecular consequence: missense variant. On other transcripts: intron variant (2).
Genome position (GRCh38, 1-based): chr10:49,516,266, T>G on the plus strand (A>C on the coding strand, the complement: ERCC6 is on the minus strand). VCF-style: chr10-49516266-T-G. GRCh37 (hg19) VCF-style: chr10-50724312-T-G.
Other names: c.2253A>C, p.Lys751Asn (NM_001277059.2); c.849A>C, p.Lys283Asn (NM_170753.3); c.1397+7767A>C (NM_001346440.2, NM_000124.4); short protein forms K283N, K751N.
Identifiers: ClinVar variation 3378041 (VCV003378041.2).
Genomic context (GRCh38, chr10:49,516,266, plus strand): 5'-ACAGGTGGCACCACACCAAAACTTATAGCCAAACCGAATGGGCTTTCCCCGAATAAATTG[T>G]TTGCACCCGTGACGACCAAAATAAGGAACCATGAATTCATCAAAGCTGAAATATGTTTCA-3'
Protein context (NP_001263987.1, residues 741-761): MVPYFGRHGC[Lys751Asn]QFIRGKPIRF

ClinVar aggregate classification (germline): Conflicting classifications of pathogenicity. Review status: criteria provided, conflicting classifications (1 of 4 stars). 2 submissions from 2 submitters: Uncertain significance (1); Likely benign (1). Last evaluated 2024-05-15.

gnomAD v4.1: 264 of 1,613,990 alleles (0.016%); highest among the groups gnomAD compares: Non-Finnish European, 0.021%; no homozygotes.

Submissions (2):

Blueprint Genetics
Classification: Likely benign. Last evaluated: 2024-05-15. Review status: criteria provided, single submitter. Criteria: ACMG Guidelines, 2015. Collection method: clinical testing. Allele origin: germline.

GeneDx
Classification: Uncertain significance. Last evaluated: 2024-05-14. Review status: criteria provided, single submitter. Criteria: GeneDx Variant Classification Process June 2021. Collection method: clinical testing. Allele origin: germline. Affected: yes.
Comment: In silico analysis supports a deleterious effect on splicing; Has not been previously published as pathogenic or benign to our knowledge; Reported using an alternate transcript of the gene